The following is an entry in ClinVar:

NM_015910.7(WDPCP):c.1928C>T (p.Pro643Leu)

Gene: WDPCP (WD repeat containing planar cell polarity effector; minus strand). Cytogenetic location: 2p15.
Variant type: single nucleotide variant.
Coding change: c.1928C>T on transcript NM_015910.7 (MANE Select); coding-DNA position 1928, C replaced by T.
Protein change: p.Pro643Leu; replaces proline 643 with leucine.
Molecular consequence: missense variant. On other transcripts: non-coding transcript variant (3).
Genome position (GRCh38, 1-based): chr2:63,174,820, G>A on the plus strand (C>T on the coding strand, the complement: WDPCP is on the minus strand). VCF-style: chr2-63174820-G-A. GRCh37 (hg19) VCF-style: chr2-63401955-G-A.
Other names: c.1451C>T, p.Pro484Leu (NM_001042692.3); c.1856C>T, p.Pro619Leu (NM_001354044.2); short protein forms P484L, P619L, P643L.
Identifiers: ClinVar variation 3354709 (VCV003354709.2).

ClinVar aggregate classification (germline): Uncertain significance. Review status: criteria provided, single submitter (1 of 4 stars). 2 submissions from 2 submitters: Uncertain significance (1). 1 of the submissions does not count toward it. Last evaluated 2024-05-12.

Conditions:
WDPCP-related disorder. Also called: WDPCP-related condition.
Heart defect - tongue hamartoma - polysyndactyly syndrome. Also called: Congenital heart defects, hamartomas of tongue, and polysyndactyly. Identifiers: Orphanet 1338, MedGen C1857587, MONDO:0009008, OMIM 217085.
Bardet-Biedl syndrome 15 (BBS15). Identifiers: Orphanet 110, MedGen C3150127, MONDO:0014443, OMIM 615992.

gnomAD v4.1: 1 of 1,613,590 alleles (0.000062%); highest among the groups gnomAD compares: African/African-American, 0.0013%; no homozygotes.

Submissions (2):

Fulgent Genetics
Classification: Uncertain significance for Heart defect - tongue hamartoma - polysyndactyly syndrome; Bardet-Biedl syndrome 15. Last evaluated: 2024-05-12. Review status: criteria provided, single submitter. Criteria: ACMG Guidelines, 2015. Collection method: clinical testing. Allele origin: germline.

PreventionGenetics, part of Exact Sciences
Classification: Uncertain significance for WDPCP-related condition. Last evaluated: 2024-07-25. Review status: no assertion criteria provided. Collection method: clinical testing. Allele origin: germline. Not counted in ClinVar's aggregate classification.
Comment: The WDPCP c.1928C>T variant is predicted to result in the amino acid substitution p.Pro643Leu. To our knowledge, this variant has not been reported in the literature. This variant is reported in 0.011% of alleles in individuals of African descent in gnomAD. At this time, the clinical significance of this variant is uncertain due to the absence of conclusive functional and genetic evidence.